The following is an entry in ClinVar:

ClinVar aggregate classification (germline): Uncertain significance. Review status: criteria provided, multiple submitters, no conflicts (2 of 4 stars). 2 submissions from 2 submitters: Uncertain significance (2). Last evaluated 2023-05-08.

Conditions:
Ataxia-telangiectasia syndrome (AT). Also called: Cerebello-oculocutaneous telangiectasia; Immunodeficiency with ataxia telangiectasia; AT, COMPLEMENTATION GROUP C; ATAXIA-TELANGIECTASIA, COMPLEMENTATION GROUP A; ATAXIA-TELANGIECTASIA, FRESNO VARIANT; LOUIS-BAR SYNDROME. Identifiers: Orphanet 100, MedGen C0004135, MONDO:0008840, OMIM 208900.
Hereditary cancer-predisposing syndrome. Also called: Tumor predisposition; Hereditary neoplastic syndrome; Neoplastic Syndromes, Hereditary; Hereditary Cancer Syndrome. Identifiers: Orphanet 140162, MedGen C0027672, MeSH D009386, MONDO:0015356.

Allele frequency attached by ClinVar (database versions not stated): gnomAD exomes below 0.00001.
gnomAD v4.1: 1 of 1,613,474 alleles (0.000062%); highest among the groups gnomAD compares: Non-Finnish European, 0.000085%; no homozygotes.

Submissions (2):

Ambry Genetics
Classification: Uncertain significance for Hereditary cancer-predisposing syndrome. Last evaluated: 2023-05-08. Review status: criteria provided, single submitter. Criteria: Ambry Variant Classification Scheme 2023. Collection method: clinical testing. Allele origin: germline.
Comment: The p.G880R variant (also known as c.2638G>C), located in coding exon 16 of the ATM gene, results from a G to C substitution at nucleotide position 2638. The glycine at codon 880 is replaced by arginine, an amino acid with dissimilar properties. However, this change occurs in the last base pair of coding exon 16 and may have some effect on normal mRNA splicing. This nucleotide position is highly conserved in available vertebrate species. This amino acid position is highly conserved in available vertebrate species. In addition, as a missense substitution this is predicted to be inconclusive by in silico analysis. Since supporting evidence is limited at this time, the clinical significance of this alteration remains unclear.

Labcorp Genetics (formerly Invitae), Labcorp
Classification: Uncertain significance for Ataxia-telangiectasia syndrome. Last evaluated: 2021-09-01. Review status: criteria provided, single submitter. Criteria: Invitae Variant Classification Sherloc (09022015). Collection method: clinical testing. Allele origin: germline.
Comment: This sequence change replaces glycine with arginine at codon 880 of the ATM protein (p.Gly880Arg). The glycine residue is highly conserved and there is a moderate physicochemical difference between glycine and arginine. This variant also falls at the last nucleotide of exon 17, which is part of the consensus splice site for this exon. This variant is not present in population databases (ExAC no frequency). This variant has not been reported in the literature in individuals affected with ATM-related conditions. Algorithms developed to predict the effect of missense changes on protein structure and function (SIFT, PolyPhen-2, Align-GVGD) all suggest that this variant is likely to be disruptive. Variants that disrupt the consensus splice site are a relatively common cause of aberrant splicing (PMID: 17576681, 9536098). Algorithms developed to predict the effect of sequence changes on RNA splicing suggest that this variant may disrupt the consensus splice site. In summary, the available evidence is currently insufficient to determine the role of this variant in disease. Therefore, it has been classified as a Variant of Uncertain Significance.

Literature cited by the submitters: PubMed 17576681 (cited by Labcorp Genetics (formerly Invitae), Labcorp); PubMed 9536098 (cited by Labcorp Genetics (formerly Invitae), Labcorp).

NM_000051.4(ATM):c.2638G>C (p.Gly880Arg)

Gene: ATM (ATM serine/threonine kinase; plus strand). Cytogenetic location: 11q22.3.
Variant type: single nucleotide variant.
Coding change: c.2638G>C on transcript NM_000051.4 (MANE Select); coding-DNA position 2638, G replaced by C.
Protein change: p.Gly880Arg; replaces glycine 880 with arginine.
Molecular consequence: missense variant.
Genome position (GRCh38, 1-based): chr11:108,267,342, G>C. VCF-style: chr11-108267342-G-C. GRCh37 (hg19) VCF-style: chr11-108138069-G-C.
Other names: c.2638G>C, p.Gly880Arg (NM_001351834.2); c.2638G>C (NM_000051.3); short protein forms G880R.
Identifiers: ClinVar variation 1503093 (VCV001503093.6), dbSNP rs2135509665, ClinGen allele CA382544367.